The following is an entry in ClinVar:

NM_001144967.3(NEDD4L):c.2609A>G (p.Lys870Arg)

Gene: NEDD4L (NEDD4 like E3 ubiquitin protein ligase; plus strand). Cytogenetic location: 18q21.31.
Variant type: single nucleotide variant.
Coding change: c.2609A>G on transcript NM_001144967.3 (MANE Select); coding-DNA position 2609, A replaced by G.
Protein change: p.Lys870Arg; replaces lysine 870 with arginine.
Molecular consequence: missense variant.
Genome position (GRCh38, 1-based): chr18:58,389,146, A>G. VCF-style: chr18-58389146-A-G. GRCh37 (hg19) VCF-style: chr18-56056378-A-G.
Other names: c.2246A>G, p.Lys749Arg (NM_001144964.1, NM_001144965.2, NM_001144966.3); c.2585A>G, p.Lys862Arg (NM_001144968.2); c.2525A>G, p.Lys842Arg (NM_001144969.2); c.2186A>G, p.Lys729Arg (NM_001144970.3, NM_001144971.2); c.2417A>G, p.Lys806Arg (NM_001243960.2); c.2549A>G, p.Lys850Arg (NM_015277.6); short protein forms K729R, K850R, K749R, K806R, K842R, K862R, K870R.
Identifiers: ClinVar variation 1929289 (VCV001929289.5), dbSNP rs1168031232, ClinGen allele CA402558758.

ClinVar aggregate classification (germline): Uncertain significance (1 of 4 stars; one submission).

Allele frequency attached by ClinVar (database versions not stated): TOPMed below 0.00001; gnomAD 0.00001.
gnomAD v4.1: 1 of 1,613,884 alleles (0.000062%); highest among the groups gnomAD compares: Non-Finnish European, 0.000085%; no homozygotes.

Submission:

Labcorp Genetics (formerly Invitae), Labcorp
Classification: Uncertain significance. Last evaluated: 2023-07-07. Review status: criteria provided, single submitter. Criteria: Invitae Variant Classification Sherloc (09022015). Collection method: clinical testing. Allele origin: germline.
Comment: ClinVar contains an entry for this variant (Variation ID: 1929289). In summary, the available evidence is currently insufficient to determine the role of this variant in disease. Therefore, it has been classified as a Variant of Uncertain Significance. Advanced modeling of protein sequence and biophysical properties (such as structural, functional, and spatial information, amino acid conservation, physicochemical variation, residue mobility, and thermodynamic stability) performed at Invitae indicates that this missense variant is not expected to disrupt NEDD4L protein function. This variant has not been reported in the literature in individuals affected with NEDD4L-related conditions. This variant is not present in population databases (gnomAD no frequency). This sequence change replaces lysine, which is basic and polar, with arginine, which is basic and polar, at codon 850 of the NEDD4L protein (p.Lys850Arg).